The following is an entry in ClinVar:

ClinVar aggregate classification (germline): Uncertain significance. Review status: criteria provided, multiple submitters, no conflicts (2 of 4 stars). 6 submissions from 6 submitters: Uncertain significance (5). 1 of the submissions does not count toward it. Last evaluated 2026-09-09.

Conditions:
ATM-related disorder. Also called: ATM-related disorders; ATM-related condition.
Hereditary cancer-predisposing syndrome. Also called: Neoplastic Syndromes, Hereditary; Hereditary Cancer Syndrome; Tumor predisposition; Hereditary neoplastic syndrome. Identifiers: Orphanet 140162, MedGen C0027672, MeSH D009386, MONDO:0015356.
Ataxia-telangiectasia syndrome (AT). Also called: LOUIS-BAR SYNDROME; Cerebello-oculocutaneous telangiectasia; Immunodeficiency with ataxia telangiectasia; Ataxia-telangiectasia, complementation group D; AT, COMPLEMENTATION GROUP C; Ataxia-telangiectasia, complementation group E. Identifiers: Orphanet 100, MedGen C0004135, MONDO:0008840, OMIM 208900.
Familial cancer of breast. Also called: Hereditary breast cancer; BREAST CANCER, FAMILIAL; hereditary breast carcinoma. Identifiers: Orphanet 227535, MedGen C0346153, MONDO:0016419, OMIM 114480. Disease mechanism: loss of function.

Allele frequency attached by ClinVar (database versions not stated): TOPMed 0.00001.

Submissions (6):

PreventionGenetics, part of Exact Sciences
Classification: Uncertain significance for ATM-related condition. Last evaluated: 2026-09-09. Review status: criteria provided, single submitter. Criteria: ACMG Guidelines, 2015. Collection method: clinical testing. Allele origin: germline.
Comment: The ATM c.5909A>G variant is predicted to result in the amino acid substitution p.Gln1970Arg. To our knowledge, this variant has not been reported in the literature or in a large population database (gnomAD), indicating this variant is rare. This variant is interpreted as uncertain in ClinVar (Variation ID: 453602). At this time, the clinical significance of this variant is uncertain due to the absence of conclusive functional and genetic evidence.

Labcorp Genetics (formerly Invitae), Labcorp
Classification: Uncertain significance for Ataxia-telangiectasia syndrome. Last evaluated: 2025-11-05. Review status: criteria provided, single submitter. Criteria: Invitae Variant Classification Sherloc (09022015). Collection method: clinical testing. Allele origin: germline.
Comment: This sequence change replaces glutamine, which is neutral and polar, with arginine, which is basic and polar, at codon 1970 of the ATM protein (p.Gln1970Arg). This variant is not present in population databases (gnomAD no frequency). This variant has not been reported in the literature in individuals affected with ATM-related conditions. ClinVar contains an entry for this variant (Variation ID: 453602). Invitae Evidence Modeling of protein sequence and biophysical properties (such as structural, functional, and spatial information, amino acid conservation, physicochemical variation, residue mobility, and thermodynamic stability) indicates that this missense variant is not expected to disrupt ATM protein function with a negative predictive value of 95%. In summary, the available evidence is currently insufficient to determine the role of this variant in disease. Therefore, it has been classified as a Variant of Uncertain Significance.

Ambry Genetics
Classification: Uncertain significance for Hereditary cancer-predisposing syndrome. Last evaluated: 2025-05-20. Review status: criteria provided, single submitter. Criteria: Ambry Variant Classification Scheme 2023. Collection method: clinical testing. Allele origin: germline.
Comment: The p.Q1970R variant (also known as c.5909A>G), located in coding exon 38 of the ATM gene, results from an A to G substitution at nucleotide position 5909. The glutamine at codon 1970 is replaced by arginine, an amino acid with highly similar properties. This amino acid position is well conserved in available vertebrate species. In addition, this alteration is predicted to be tolerated by in silico analysis. Since supporting evidence is limited at this time, the clinical significance of this alteration remains unclear.

Color Diagnostics, LLC DBA Color Health
Classification: Uncertain significance for Hereditary cancer-predisposing syndrome. Last evaluated: 2023-12-05. Review status: criteria provided, single submitter. Criteria: ACMG Guidelines, 2015. Collection method: clinical testing. Allele origin: germline.
Comment: This missense variant replaces glutamine with arginine at codon 1970 of the ATM protein. Computational prediction suggests that this variant may not impact protein structure and function (internally defined REVEL score threshold <= 0.5, PMID: 27666373). To our knowledge, functional studies have not been reported for this variant. This variant has not been reported in individuals affected with ATM-related disorders in the literature. This variant has not been identified in the general population by the Genome Aggregation Database (gnomAD). The available evidence is insufficient to determine the role of this variant in disease conclusively. Therefore, this variant is classified as a Variant of Uncertain Significance.

Baylor Genetics
Classification: Uncertain significance for Familial cancer of breast. Last evaluated: 2023-08-29. Review status: criteria provided, single submitter. Criteria: ACMG Guidelines, 2015. Collection method: clinical testing. Allele origin: unknown.

Natera, Inc.
Classification: Uncertain significance for Ataxia-telangiectasia. Last evaluated: 2020-09-16. Review status: no assertion criteria provided. Collection method: clinical testing. Allele origin: germline. Not counted in ClinVar's aggregate classification.

NM_000051.4(ATM):c.5909A>G (p.Gln1970Arg)

Genes: ATM (ATM serine/threonine kinase; plus strand), C11orf65 (chromosome 11 open reading frame 65; minus strand). Cytogenetic location: 11q22.3.
Variant type: single nucleotide variant.
Coding change: c.5909A>G on transcript NM_000051.4 (MANE Select); coding-DNA position 5909, A replaced by G.
Protein change: p.Gln1970Arg; replaces glutamine 1970 with arginine.
Molecular consequence: missense variant. On other transcripts: intron variant (2).
Genome position (GRCh38, 1-based): chr11:108,310,306, A>G. VCF-style: chr11-108310306-A-G. GRCh37 (hg19) VCF-style: chr11-108181033-A-G.
Other names: c.5909A>G, p.Gln1970Arg (NM_001351834.2); c.641-1235T>C (NM_001330368.2); c.*39-1235T>C (NM_001351110.2); short protein forms Q1970R.
Identifiers: ClinVar variation 453602 (VCV000453602.59), dbSNP rs1555110568, ClinGen allele CA382548592.